The following is an entry in ClinVar:

NM_024589.3(ROGDI):c.553C>T (p.Pro185Ser)

Gene: ROGDI (rogdi atypical leucine zipper; minus strand). Cytogenetic location: 16p13.3.
Variant type: single nucleotide variant.
Coding change: c.553C>T on transcript NM_024589.3 (MANE Select); coding-DNA position 553, C replaced by T.
Protein change: p.Pro185Ser; replaces proline 185 with serine.
Molecular consequence: missense variant. On other transcripts: non-coding transcript variant (1).
Genome position (GRCh38, 1-based): chr16:4,798,163, G>A on the plus strand (C>T on the coding strand, the complement: ROGDI is on the minus strand). VCF-style: chr16-4798163-G-A. GRCh37 (hg19) VCF-style: chr16-4848164-G-A.
Other names: short protein forms P185S.
Identifiers: ClinVar variation 626007 (VCV000626007.9), dbSNP rs775198813, ClinGen allele CA7882641.

ClinVar aggregate classification (germline): Uncertain significance. Review status: criteria provided, multiple submitters, no conflicts (2 of 4 stars). 2 submissions from 2 submitters: Uncertain significance (2). Last evaluated 2021-07-18.

Conditions:
Amelocerebrohypohidrotic syndrome (KTZS). Also called: Kohlschutter's syndrome; EPILEPSY AND YELLOW TEETH; EPILEPSY, DEMENTIA, AND AMELOGENESIS IMPERFECTA; KOHLSCHUTTER SYNDROME. Identifiers: Orphanet 1946, MedGen C0406740, MONDO:0009185, OMIM 226750.

Allele frequency attached by ClinVar (database versions not stated): gnomAD exomes below 0.00001 and 0.00002; TOPMed 0.00001; ExAC 0.00002.

Submissions (2):

Labcorp Genetics (formerly Invitae), Labcorp
Classification: Uncertain significance for Amelocerebrohypohidrotic syndrome. Last evaluated: 2021-07-18. Review status: criteria provided, single submitter. Criteria: Invitae Variant Classification Sherloc (09022015). Collection method: clinical testing. Allele origin: germline.
Comment: This variant has not been reported in the literature in individuals affected with ROGDI-related conditions. Algorithms developed to predict the effect of missense changes on protein structure and function (SIFT, PolyPhen-2, Align-GVGD) all suggest that this variant is likely to be disruptive. ClinVar contains an entry for this variant (Variation ID: 626007). This variant is present in population databases (rs775198813, ExAC 0.02%). This sequence change replaces proline with serine at codon 185 of the ROGDI protein (p.Pro185Ser). The proline residue is highly conserved and there is a moderate physicochemical difference between proline and serine. In summary, the available evidence is currently insufficient to determine the role of this variant in disease. Therefore, it has been classified as a Variant of Uncertain Significance.

Center for Genomics, Ann and Robert H. Lurie Children's Hospital of Chicago
Classification: Uncertain significance for Amelocerebrohypohidrotic syndrome. Last evaluated: 2021-03-30. Review status: criteria provided, single submitter. Criteria: ACMG Guidelines, 2015. Collection method: clinical testing. Allele origin: germline.
Comment: ROGDI NM_024589.2 exon 8 p.Pro185Ser (c.553C>T): This variant has not been reported in the literature but is present in 0.008% (3/33482) of Latino alleles in the Genome Aggregation Database. Evolutionary conservation and computational predictive tools suggest that this variant may impact the protein. In summary, data on this variant is insufficient for disease classification. Therefore, the clinical significance of this variant is uncertain.